The following is an entry in ClinVar:

NM_017514.5(PLXNA3):c.2239G>A (p.Ala747Thr)

Gene: PLXNA3 (plexin A3; plus strand). Cytogenetic location: Xq28.
Variant type: single nucleotide variant.
Coding change: c.2239G>A on transcript NM_017514.5 (MANE Select); coding-DNA position 2239, G replaced by A.
Protein change: p.Ala747Thr; replaces alanine 747 with threonine.
Molecular consequence: missense variant.
Genome position (GRCh38, 1-based): chrX:154,465,213, G>A. VCF-style: chrX-154465213-G-A. GRCh37 (hg19) VCF-style: chrX-153693556-G-A.
Other names: short protein forms A747T.
Identifiers: ClinVar variation 2370629 (VCV002370629.6), dbSNP rs782478483, ClinGen allele CA10564305.

ClinVar aggregate classification (germline): Uncertain significance. Review status: criteria provided, multiple submitters, no conflicts (2 of 4 stars). 2 submissions from 2 submitters: Uncertain significance (2). Last evaluated 2026-01-12.

Conditions:
PLXNA3-related disorder. Also called: PLXNA3-related condition.

Allele frequency attached by ClinVar (database versions not stated): ExAC 0.00005; gnomAD 0.00005; TOPMed 0.00005.

Submissions (2):

PreventionGenetics, part of Exact Sciences
Classification: Uncertain significance for PLXNA3-related condition. Last evaluated: 2026-01-12. Review status: criteria provided, single submitter. Criteria: ACMG Guidelines, 2015. Collection method: clinical testing. Allele origin: germline.
Comment: The PLXNA3 c.2239G>A variant is predicted to result in the amino acid substitution p.Ala747Thr. To our knowledge, this variant has not been reported in the literature. This variant is reported in 0.011% of alleles in individuals of African descent in gnomAD, including two hemizygotes. At this time, the clinical significance of this variant is uncertain due to the absence of conclusive functional and genetic evidence.

Ambry Genetics
Classification: Uncertain significance. Last evaluated: 2025-10-29. Review status: criteria provided, single submitter. Criteria: Ambry Variant Classification Scheme 2023. Collection method: clinical testing. Allele origin: germline.